The following is an entry in ClinVar:

ClinVar aggregate classification (germline): Conflicting classifications of pathogenicity. Review status: criteria provided, conflicting classifications (1 of 4 stars). 2 submissions from 2 submitters: Uncertain significance (1); Likely benign (1). Last evaluated 2025-10-10.

Conditions:
Epilepsy, childhood absence, susceptibility to, 5. Identifiers: Orphanet 64280, MedGen C2677087, MONDO:0012843, OMIM 612269.
Epilepsy, childhood absence, susceptibility to, 1. Also called: Epilepsy, childhood absence 1. Identifiers: Orphanet 64280, MedGen C1838604, MONDO:0020759, OMIM 600131.

Allele frequency attached by ClinVar (database versions not stated): gnomAD 0.00002; gnomAD exomes 0.00003; TOPMed 0.00003; ExAC 0.00006.
gnomAD v4.1: 48 of 1,565,630 alleles (0.0031%); highest among the groups gnomAD compares: Non-Finnish European, 0.0041%; no homozygotes.

Submissions (2):

Labcorp Genetics (formerly Invitae), Labcorp
Classification: Uncertain significance for Epilepsy, childhood absence, susceptibility to, 5; Epilepsy, childhood absence, susceptibility to, 1. Last evaluated: 2025-10-10. Review status: criteria provided, single submitter. Criteria: Invitae Variant Classification Sherloc (09022015). Collection method: clinical testing. Allele origin: germline.
Comment: This sequence change falls in intron 2 of the GABRB3 gene. It does not directly change the encoded amino acid sequence of the GABRB3 protein. It affects a nucleotide within the consensus splice site. The frequency data for this variant in the population databases is considered unreliable, as metrics indicate poor data quality at this position in the gnomAD database. This variant has not been reported in the literature in individuals affected with GABRB3-related conditions. ClinVar contains an entry for this variant (Variation ID: 1349798). Variants that disrupt the consensus splice site are a relatively common cause of aberrant splicing (PMID: 17576681, 9536098). Algorithms developed to predict the effect of sequence changes on RNA splicing suggest that this variant is not likely to affect RNA splicing. In summary, the available evidence is currently insufficient to determine the role of this variant in disease. Therefore, it has been classified as a Variant of Uncertain Significance.

CeGaT Center for Human Genetics Tuebingen
Classification: Likely benign. Last evaluated: 2023-07-01. Review status: criteria provided, single submitter. Criteria: CeGaT Center For Human Genetics Tuebingen Variant Classification Criteria Version 2. Collection method: clinical testing. Allele origin: germline. Affected: yes. Observed: 1 variant allele.
Comment: GABRB3: BP4

Literature cited by the submitters: PubMed 17576681 (cited by Labcorp Genetics (formerly Invitae), Labcorp); PubMed 9536098 (cited by Labcorp Genetics (formerly Invitae), Labcorp).

NM_000814.6(GABRB3):c.172+4A>G

Gene: GABRB3 (gamma-aminobutyric acid type A receptor subunit beta3; minus strand). Cytogenetic location: 15q12.
Variant type: single nucleotide variant.
Coding change: c.172+4A>G on transcript NM_000814.6 (MANE Select); 4 bases into the intron after coding-DNA position 172, A replaced by G.
Molecular consequence: intron variant.
Genome position (GRCh38, 1-based): chr15:26,772,677, T>C on the plus strand (A>G on the coding strand, the complement: GABRB3 is on the minus strand). VCF-style: chr15-26772677-T-C. GRCh37 (hg19) VCF-style: chr15-27017824-T-C.
Other names: c.172+4A>G (NM_021912.5); c.-180+4A>G (NM_001278631.2).
Identifiers: ClinVar variation 1349798 (VCV001349798.30), dbSNP rs752221563, ClinGen allele CA7437546.